The following is an entry in ClinVar:

ClinVar aggregate classification (germline): Pathogenic (1 of 4 stars; one submission).

Conditions:
Familial hemiplegic migraine. Identifiers: MedGen C0338484, MONDO:0000700.

Submission:

Labcorp Genetics (formerly Invitae), Labcorp
Classification: Pathogenic for Familial hemiplegic migraine. Last evaluated: 2018-10-08. Review status: criteria provided, single submitter. Criteria: Invitae Variant Classification Sherloc (09022015). Collection method: clinical testing. Allele origin: germline.
Comment: This sequence change creates a premature translational stop signal (p.Cys581*) in the ATP1A2 gene. It is expected to result in an absent or disrupted protein product. This variant is not present in population databases (ExAC no frequency). This variant has not been reported in the literature in individuals with ATP1A2-related disease. Loss-of-function variants in ATP1A2 are known to be pathogenic (PMID: 18056581). For these reasons, this variant has been classified as Pathogenic.

Literature cited by the submitters: PubMed 18056581.

NM_000702.4(ATP1A2):c.1743C>A (p.Cys581Ter)

Gene: ATP1A2 (ATPase Na+/K+ transporting subunit alpha 2; plus strand). Cytogenetic location: 1q23.2.
Variant type: single nucleotide variant.
Coding change: c.1743C>A on transcript NM_000702.4 (MANE Select); coding-DNA position 1743, C replaced by A.
Protein change: p.Cys581Ter; replaces cysteine 581 with a stop codon.
Molecular consequence: nonsense.
Genome position (GRCh38, 1-based): chr1:160,130,513, C>A. VCF-style: chr1-160130513-C-A. GRCh37 (hg19) VCF-style: chr1-160100303-C-A.
Other names: short protein forms C581*.
Identifiers: ClinVar variation 644202 (VCV000644202.3), dbSNP rs1570990484, ClinGen allele CA343244299.